The following is an entry in ClinVar:

ClinVar aggregate classification (germline): Likely benign (1 of 4 stars; one submission).

Allele frequency attached by ClinVar (database versions not stated): TOPMed below 0.00001; ExAC 0.00001.
gnomAD v4.1: 47 of 1,614,132 alleles (0.0029%); highest among the groups gnomAD compares: Non-Finnish European, 0.0037%; no homozygotes.

Submission:

CeGaT Center for Human Genetics Tuebingen
Classification: Likely benign. Last evaluated: 2023-06-01. Review status: criteria provided, single submitter. Criteria: CeGaT Center For Human Genetics Tuebingen Variant Classification Criteria Version 2. Collection method: clinical testing. Allele origin: germline. Affected: yes. Observed: 1 variant allele.
Comment: NIN: BP4, BP7

NM_020921.4(NIN):c.3222T>C (p.His1074=)

Gene: NIN (ninein; minus strand). Cytogenetic location: 14q22.1.
Variant type: single nucleotide variant.
Coding change: c.3222T>C on transcript NM_020921.4 (MANE Select); coding-DNA position 3222, T replaced by C.
Protein change: p.His1074=; no amino-acid change (histidine 1074 retained).
Molecular consequence: synonymous variant. On other transcripts: intron variant (1).
Genome position (GRCh38, 1-based): chr14:50,757,808, A>G on the plus strand (T>C on the coding strand, the complement: NIN is on the minus strand). VCF-style: chr14-50757808-A-G. GRCh37 (hg19) VCF-style: chr14-51224526-A-G.
Other names: c.3222T>C, p.His1074= (NM_182944.3, NM_182946.2); c.2399+2049T>C (NM_016350.5).
Identifiers: ClinVar variation 2570878 (VCV002570878.27), dbSNP rs777435695, ClinGen allele CA7181778.